The following is an entry in ClinVar:

NM_007215.4(POLG2):c.905C>A (p.Thr302Asn)

Genes: MILR1 (mast cell immunoglobulin like receptor 1; plus strand), POLG2 (DNA polymerase gamma 2, accessory subunit; minus strand). Cytogenetic location: 17q23.3.
Variant type: single nucleotide variant.
Coding change: c.905C>A on transcript NM_007215.4 (MANE Select); coding-DNA position 905, C replaced by A.
Protein change: p.Thr302Asn; replaces threonine 302 with asparagine.
Molecular consequence: missense variant.
Genome position (GRCh38, 1-based): chr17:64,490,860, G>T on the plus strand (C>A on the coding strand, the complement: POLG2 is on the minus strand). VCF-style: chr17-64490860-G-T. GRCh37 (hg19) VCF-style: chr17-62486977-G-T.
Other names: short protein forms T302N.
Identifiers: ClinVar variation 3717325 (VCV003717325.2).

ClinVar aggregate classification (germline): Uncertain significance (1 of 4 stars; one submission).

Submission:

Labcorp Genetics (formerly Invitae), Labcorp
Classification: Uncertain significance. Last evaluated: 2025-02-10. Review status: criteria provided, single submitter. Criteria: Invitae Variant Classification Sherloc (09022015). Collection method: clinical testing. Allele origin: germline.
Comment: This sequence change replaces threonine, which is neutral and polar, with asparagine, which is neutral and polar, at codon 302 of the POLG2 protein (p.Thr302Asn). This variant is not present in population databases (gnomAD no frequency). This variant has not been reported in the literature in individuals affected with POLG2-related conditions. An algorithm developed to predict the effect of missense changes on protein structure and function (PolyPhen-2) suggests that this variant is likely to be tolerated. In summary, the available evidence is currently insufficient to determine the role of this variant in disease. Therefore, it has been classified as a Variant of Uncertain Significance.